The following is an entry in ClinVar:

NM_003611.3(OFD1):c.43A>G (p.Ser15Gly)

Genes: OFD1 (OFD1 centriole and centriolar satellite protein; plus strand), LOC126863212 (CDK7 strongly-dependent group 2 enhancer GRCh37_chrX:13752241-13753440; plus strand). Cytogenetic location: Xp22.2.
Variant type: single nucleotide variant.
Coding change: c.43A>G on transcript NM_003611.3 (MANE Select); coding-DNA position 43, A replaced by G.
Protein change: p.Ser15Gly; replaces serine 15 with glycine.
Molecular consequence: missense variant. On other transcripts: 5 prime UTR variant (1).
Genome position (GRCh38, 1-based): chrX:13,735,278, A>G. VCF-style: chrX-13735278-A-G. GRCh37 (hg19) VCF-style: chrX-13753397-A-G.
Other names: c.43A>G, p.Ser15Gly (NM_001330209.2); c.-503A>G (NM_001330210.2); short protein forms S15G.
Identifiers: ClinVar variation 2120438 (VCV002120438.4), dbSNP rs2046814710, ClinGen allele CA412331425.

ClinVar aggregate classification (germline): Uncertain significance (1 of 4 stars; one submission).

Conditions:
Joubert syndrome. Also called: CEREBELLOPARENCHYMAL DISORDER IV; JOUBERT-BOLTSHAUSER SYNDROME; Familial aplasia of the vermis. Identifiers: Orphanet 475, MedGen C5979921, MONDO:0018772.
Orofaciodigital syndrome I (OFD1). Also called: OFDS I; Papillon-Leage and Psaume Syndrome; Oral-Facial-Digital Syndrome Type I. Identifiers: Orphanet 2750, MedGen C1510460, MONDO:0010702, OMIM 311200.

Allele frequency attached by ClinVar (database versions not stated): gnomAD 0.00001; TOPMed 0.00001.
gnomAD v4.1: 1 of 1,210,107 alleles (0.000083%); highest among the groups gnomAD compares: African/African-American, 0.0017%; no homozygotes.

Submission:

Labcorp Genetics (formerly Invitae), Labcorp
Classification: Uncertain significance for Orofaciodigital syndrome I; Joubert syndrome. Last evaluated: 2022-04-01. Review status: criteria provided, single submitter. Criteria: Invitae Variant Classification Sherloc (09022015). Collection method: clinical testing. Allele origin: germline.
Comment: In summary, the available evidence is currently insufficient to determine the role of this variant in disease. Therefore, it has been classified as a Variant of Uncertain Significance. Algorithms developed to predict the effect of missense changes on protein structure and function are either unavailable or do not agree on the potential impact of this missense change (SIFT: "Deleterious"; PolyPhen-2: "Possibly Damaging"; Align-GVGD: "Class C0"). This variant has not been reported in the literature in individuals affected with OFD1-related conditions. This variant is not present in population databases (gnomAD no frequency). This sequence change replaces serine, which is neutral and polar, with glycine, which is neutral and non-polar, at codon 15 of the OFD1 protein (p.Ser15Gly).